The following is an entry in ClinVar:

NM_001330360.2(POLA1):c.1901A>G (p.Lys634Arg)

Gene: POLA1 (DNA polymerase alpha 1, catalytic subunit; plus strand). Cytogenetic location: Xp22.11.
Variant type: single nucleotide variant.
Coding change: c.1901A>G on transcript NM_001330360.2 (MANE Select); coding-DNA position 1901, A replaced by G.
Protein change: p.Lys634Arg; replaces lysine 634 with arginine.
Molecular consequence: missense variant. On other transcripts: non-coding transcript variant (2).
Genome position (GRCh38, 1-based): chrX:24,735,466, A>G. VCF-style: chrX-24735466-A-G. GRCh37 (hg19) VCF-style: chrX-24753583-A-G.
Other names: c.1826A>G, p.Lys609Arg (NM_001378303.1); c.1883A>G, p.Lys628Arg (NM_016937.4); short protein forms K609R, K628R, K634R.
Identifiers: ClinVar variation 1702544 (VCV001702544.2), dbSNP rs1287444237, ClinGen allele CA412534986.

ClinVar aggregate classification (germline): Uncertain significance (1 of 4 stars; one submission).

Allele frequency attached by ClinVar (database versions not stated): gnomAD exomes 0.00001; gnomAD 0.00002; TOPMed 0.00002.
gnomAD v4.1: 12 of 1,170,512 alleles (0.001%); highest among the groups gnomAD compares: Non-Finnish European, 0.0014%; no homozygotes.

Submission:

GeneDx
Classification: Uncertain significance. Last evaluated: 2022-02-20. Review status: criteria provided, single submitter. Criteria: GeneDx Variant Classification Process June 2021. Collection method: clinical testing. Allele origin: germline. Affected: yes.
Comment: In silico analysis supports that this missense variant does not alter protein structure/function; Not observed at significant frequency in large population cohorts (gnomAD); Has not been previously published as pathogenic or benign to our knowledge